The following is an entry in ClinVar:

NM_001171.6(ABCC6):c.2882C>T (p.Ser961Phe)

Gene: ABCC6 (ATP binding cassette subfamily C member 6; minus strand). Cytogenetic location: 16p13.11.
Variant type: single nucleotide variant.
Coding change: c.2882C>T on transcript NM_001171.6 (MANE Select); coding-DNA position 2882, C replaced by T.
Protein change: p.Ser961Phe; replaces serine 961 with phenylalanine.
Molecular consequence: missense variant. On other transcripts: non-coding transcript variant (1).
Genome position (GRCh38, 1-based): chr16:16,169,759, G>A on the plus strand (C>T on the coding strand, the complement: ABCC6 is on the minus strand). VCF-style: chr16-16169759-G-A. GRCh37 (hg19) VCF-style: chr16-16263616-G-A.
Other names: c.2540C>T, p.Ser847Phe (NM_001351800.1); short protein forms S961F, S847F.
Identifiers: ClinVar variation 1368913 (VCV001368913.5), dbSNP rs987609654, ClinGen allele CA278636203.

ClinVar aggregate classification (germline): Uncertain significance. Review status: criteria provided, multiple submitters, no conflicts (2 of 4 stars). 2 submissions from 2 submitters: Uncertain significance (2). Last evaluated 2024-06-19.

Conditions:
Autosomal recessive inherited pseudoxanthoma elasticum (PXE). Identifiers: Orphanet 758, MedGen CN032334, MONDO:0009925, OMIM 264800.
Pseudoxanthoma elasticum, forme fruste. Also called: PSEUDOXANTHOMA ELASTICUM, HETEROZYGOUS; Pseudoxanthoma Elasticum, Incomplete. Identifiers: Orphanet 758, MedGen C1867450, MONDO:0008333, OMIM 177850.
Arterial calcification, generalized, of infancy, 2. Identifiers: Orphanet 51608, MedGen C3276161, MONDO:0013768, OMIM 614473.

Allele frequency attached by ClinVar (database versions not stated): gnomAD 0.00001; gnomAD exomes below 0.00001.
gnomAD v4.1: 9 of 1,601,564 alleles (0.00056%); highest among the groups gnomAD compares: Admixed American, 0.0086%; no homozygotes.

Submissions (2):

Fulgent Genetics
Classification: Uncertain significance for Pseudoxanthoma elasticum, forme fruste; Autosomal recessive inherited pseudoxanthoma elasticum; Arterial calcification, generalized, of infancy, 2. Last evaluated: 2024-06-19. Review status: criteria provided, single submitter. Criteria: ACMG Guidelines, 2015. Collection method: clinical testing. Allele origin: germline.

Labcorp Genetics (formerly Invitae), Labcorp
Classification: Uncertain significance. Last evaluated: 2022-08-23. Review status: criteria provided, single submitter. Criteria: Invitae Variant Classification Sherloc (09022015). Collection method: clinical testing. Allele origin: germline.
Comment: This sequence change replaces serine, which is neutral and polar, with phenylalanine, which is neutral and non-polar, at codon 961 of the ABCC6 protein (p.Ser961Phe). This variant is not present in population databases (gnomAD no frequency). This variant has not been reported in the literature in individuals affected with ABCC6-related conditions. ClinVar contains an entry for this variant (Variation ID: 1368913). Algorithms developed to predict the effect of missense changes on protein structure and function are either unavailable or do not agree on the potential impact of this missense change (SIFT: "Deleterious"; PolyPhen-2: "Possibly Damaging"; Align-GVGD: "Class C15"). In summary, the available evidence is currently insufficient to determine the role of this variant in disease. Therefore, it has been classified as a Variant of Uncertain Significance.